The following is an entry in ClinVar:

NM_000501.4(ELN):c.1138G>A (p.Ala380Thr)

Gene: ELN (elastin; plus strand). Cytogenetic location: 7q11.23.
Variant type: single nucleotide variant.
Coding change: c.1138G>A on transcript NM_000501.4 (MANE Select); coding-DNA position 1138, G replaced by A.
Protein change: p.Ala380Thr; replaces alanine 380 with threonine.
Molecular consequence: missense variant.
Genome position (GRCh38, 1-based): chr7:74,054,757, G>A. VCF-style: chr7-74054757-G-A. GRCh37 (hg19) VCF-style: chr7-73469087-G-A.
Other names: c.1108G>A, p.Ala370Thr (NM_001081752.3, NM_001278917.2); c.1153G>A, p.Ala385Thr (NM_001081753.3, NM_001081754.3); c.1138G>A, p.Ala380Thr (NM_001081755.3, NM_001278912.2, NM_001278915.2 and 1 more transcripts); c.1030G>A, p.Ala344Thr (NM_001278913.2); c.1123G>A, p.Ala375Thr (NM_001278914.2); c.1096G>A, p.Ala366Thr (NM_001278916.2); c.1006G>A, p.Ala336Thr (NM_001278918.2); short protein forms A380T, A344T, A385T, A375T, A336T, A366T, A370T.
Identifiers: ClinVar variation 524222 (VCV000524222.10), dbSNP rs973649598, ClinGen allele CA160108927.
Genomic context (GRCh38, chr7:74,054,757, plus strand): 5'-TCCCTTTTGGTCTCTCCAGGGGTTGTGTCACCAGAAGCAGCTGCTAAGGCAGCTGCAAAG[G>A]CAGCCAAATACGGTGAGTGCTATGCTGACAGCTCTGCCCCACCCTGTCCTGGCCTTTACT-3'
Protein context (NP_000492.2, residues 370-390): PEAAAKAAAK[Ala380Thr]AKYGARPGVG

ClinVar aggregate classification (germline): Uncertain significance. Review status: criteria provided, multiple submitters, no conflicts (2 of 4 stars). 2 submissions from 2 submitters: Uncertain significance (2). Last evaluated 2025-05-27.

Conditions:
Cutis laxa, autosomal dominant 1 (ADCL1). Also called: ELN-Related Cutis Laxa. Identifiers: Orphanet 90348, MedGen C3276539, MONDO:0007411, OMIM 123700. Disease mechanism: Dominant Negative.
Supravalvar aortic stenosis (SVAS). Also called: Supravalvar aortic stenosis, Eisenberg type. Identifiers: Orphanet 3193, MedGen C0003499, MONDO:0008504, OMIM 185500, HP:0004381.

Allele frequency attached by ClinVar (database versions not stated): gnomAD 0.00001; gnomAD exomes 0.00002; TOPMed 0.00003.
gnomAD v4.1: 19 of 1,614,042 alleles (0.0012%); highest among the groups gnomAD compares: Admixed American, 0.013%; no homozygotes.

Submissions (2):

Labcorp Genetics (formerly Invitae), Labcorp
Classification: Uncertain significance for Supravalvar aortic stenosis. Last evaluated: 2025-05-27. Review status: criteria provided, single submitter. Criteria: Invitae Variant Classification Sherloc (09022015). Collection method: clinical testing. Allele origin: germline.
Comment: This sequence change replaces alanine, which is neutral and non-polar, with threonine, which is neutral and polar, at codon 380 of the ELN protein (p.Ala380Thr). This variant is present in population databases (no rsID available, gnomAD 0.01%). This variant has not been reported in the literature in individuals affected with ELN-related conditions. ClinVar contains an entry for this variant (Variation ID: 524222). Invitae Evidence Modeling of protein sequence and biophysical properties (such as structural, functional, and spatial information, amino acid conservation, physicochemical variation, residue mobility, and thermodynamic stability) indicates that this missense variant is not expected to disrupt ELN protein function with a negative predictive value of 80%. In summary, the available evidence is currently insufficient to determine the role of this variant in disease. Therefore, it has been classified as a Variant of Uncertain Significance.

Fulgent Genetics
Classification: Uncertain significance for Cutis laxa, autosomal dominant 1; Supravalvar aortic stenosis. Last evaluated: 2024-06-18. Review status: criteria provided, single submitter. Criteria: ACMG Guidelines, 2015. Collection method: clinical testing. Allele origin: germline.